The following is an entry in ClinVar:

ClinVar aggregate classification (germline): Uncertain significance (1 of 4 stars; one submission).

Conditions:
Charcot-Marie-Tooth disease axonal type 2Z. Also called: CHARCOT-MARIE-TOOTH DISEASE, AXONAL, AUTOSOMAL DOMINANT, TYPE 2Z; CHARCOT-MARIE-TOOTH NEUROPATHY, TYPE 2Z. Identifiers: Orphanet 466768, MedGen C5569025, MONDO:0014736, OMIM 616688.

Allele frequency attached by ClinVar (database versions not stated): TOPMed below 0.00001; ExAC 0.00001; gnomAD 0.00001; gnomAD exomes 0.00001; 1000 Genomes Project 0.00020; 1000 Genomes Project 30x 0.00031.
gnomAD v4.1: 14 of 1,614,008 alleles (0.00087%); highest among the groups gnomAD compares: Admixed American, 0.005%; no homozygotes.

Submission:

Labcorp Genetics (formerly Invitae), Labcorp
Classification: Uncertain significance for Charcot-Marie-Tooth disease axonal type 2Z. Last evaluated: 2023-09-28. Review status: criteria provided, single submitter. Criteria: Invitae Variant Classification Sherloc (09022015). Collection method: clinical testing. Allele origin: germline.
Comment: In summary, the available evidence is currently insufficient to determine the role of this variant in disease. Therefore, it has been classified as a Variant of Uncertain Significance. Advanced modeling of protein sequence and biophysical properties (such as structural, functional, and spatial information, amino acid conservation, physicochemical variation, residue mobility, and thermodynamic stability) performed at Invitae indicates that this missense variant is expected to disrupt MORC2 protein function. This sequence change replaces tyrosine, which is neutral and polar, with cysteine, which is neutral and slightly polar, at codon 243 of the MORC2 protein (p.Tyr243Cys). This variant is present in population databases (rs562392125, gnomAD 0.007%). This variant has not been reported in the literature in individuals affected with MORC2-related conditions.

NM_001303256.3(MORC2):c.728A>G (p.Tyr243Cys)

Gene: MORC2 (MORC family CW-type zinc finger 2; minus strand). Cytogenetic location: 22q12.2.
Variant type: single nucleotide variant.
Coding change: c.728A>G on transcript NM_001303256.3 (MANE Select); coding-DNA position 728, A replaced by G.
Protein change: p.Tyr243Cys; replaces tyrosine 243 with cysteine.
Molecular consequence: missense variant.
Genome position (GRCh38, 1-based): chr22:30,941,529, T>C on the plus strand (A>G on the coding strand, the complement: MORC2 is on the minus strand). VCF-style: chr22-30941529-T-C. GRCh37 (hg19) VCF-style: chr22-31337516-T-C.
Other names: c.728A>G, p.Tyr243Cys (NM_001303257.2); c.542A>G, p.Tyr181Cys (NM_014941.3); short protein forms Y243C, Y181C.
Identifiers: ClinVar variation 2709288 (VCV002709288.3), dbSNP rs562392125, ClinGen allele CA10187175.